The following is an entry in ClinVar:

ClinVar aggregate classification (germline): Uncertain significance (1 of 4 stars; one submission).

Conditions:
Hereditary cancer-predisposing syndrome. Also called: Hereditary Cancer Syndrome; Hereditary neoplastic syndrome; Neoplastic Syndromes, Hereditary; Tumor predisposition. Identifiers: Orphanet 140162, MedGen C0027672, MeSH D009386, MONDO:0015356.

Submission:

Ambry Genetics
Classification: Uncertain significance for Hereditary cancer-predisposing syndrome. Last evaluated: 2021-02-08. Review status: criteria provided, single submitter. Criteria: Ambry Variant Classification Scheme 2023. Collection method: clinical testing. Allele origin: germline.
Comment: The p.P48S variant (also known as c.142C>T), located in coding exon 2 of the SMARCB1 gene, results from a C to T substitution at nucleotide position 142. The proline at codon 48 is replaced by serine, an amino acid with similar properties. Functional assays demonstrate that the p.P48S alteration is not deficient for the regulation of S phase entry, cystoskeleton remodeling or migration regulation; however, hSNF5-P48S was not able to revert chromosomal instability in an in vivo functional model (Caramel J et al. Cancer Res, 2008 Aug;68:6154-61; Vries RG et al. Genes Dev, 2005 Mar;19:665-70). This amino acid position is highly conserved in available vertebrate species. In addition, this alteration is predicted to be deleterious by in silico analysis. Missense and in-frame variants in SMARCB1 are known to cause neurodevelopmental disorders; however, such associations with rhabdoid tumor predisposition syndrome are exceedingly rare (Kosho T et al. Am J Med Genet C Semin Med Genet. 2014 Sep;166C(3):262-75; Eaton KW et al. Pediatr Blood Cancer. 2011 Jan;56(1):7-15). Since supporting evidence is limited at this time, the clinical significance of this alteration remains unclear.

Literature cited by the submitters: PubMed 15769941; PubMed 18676838.

NM_003073.5(SMARCB1):c.142C>T (p.Pro48Ser)

Gene: SMARCB1 (SWI/SNF related BAF chromatin remodeling complex subunit B1; plus strand). Cytogenetic location: 22q11.23.
Variant type: single nucleotide variant.
Coding change: c.142C>T on transcript NM_003073.5 (MANE Select); coding-DNA position 142, C replaced by T.
Protein change: p.Pro48Ser; replaces proline 48 with serine.
Molecular consequence: missense variant.
Genome position (GRCh38, 1-based): chr22:23,791,804, C>T. VCF-style: chr22-23791804-C-T. GRCh37 (hg19) VCF-style: chr22-24133991-C-T.
Other names: c.142C>T, p.Pro48Ser (NM_001007468.3, NM_001317946.2, NM_001362877.2); short protein forms P48S.
Identifiers: ClinVar variation 1772465 (VCV001772465.2), dbSNP rs2517660395, ClinGen allele CA410932669.